The following is an entry in ClinVar:

ClinVar aggregate classification (germline): Uncertain significance. Review status: criteria provided, multiple submitters, no conflicts (2 of 4 stars). 2 submissions from 2 submitters: Uncertain significance (2). Last evaluated 2025-08-09.

Conditions:
Hereditary cancer-predisposing syndrome. Also called: Hereditary neoplastic syndrome; Neoplastic Syndromes, Hereditary; Tumor predisposition; Hereditary Cancer Syndrome. Identifiers: Orphanet 140162, MedGen C0027672, MeSH D009386, MONDO:0015356.

Allele frequency attached by ClinVar (database versions not stated): gnomAD exomes below 0.00001.
gnomAD v4.1: 2 of 1,612,800 alleles (0.00012%); highest among the groups gnomAD compares: Admixed American, 0.0017%; no homozygotes.

Submissions (2):

Ambry Genetics
Classification: Uncertain significance for Hereditary cancer-predisposing syndrome. Last evaluated: 2025-08-09. Review status: criteria provided, single submitter. Criteria: Ambry Variant Classification Scheme 2023. Collection method: clinical testing. Allele origin: germline.
Comment: The p.V785M variant (also known as c.2353G>A), located in coding exon 21 of the POLE gene, results from a G to A substitution at nucleotide position 2353. The valine at codon 785 is replaced by methionine, an amino acid with highly similar properties. This amino acid position is conserved. In addition, this alteration is predicted to be tolerated by in silico analysis. Based on the available evidence, the clinical significance of this variant remains unclear.

Labcorp Genetics (formerly Invitae), Labcorp
Classification: Uncertain significance. Last evaluated: 2023-07-03. Review status: criteria provided, single submitter. Criteria: Invitae Variant Classification Sherloc (09022015). Collection method: clinical testing. Allele origin: germline.
Comment: This sequence change replaces valine, which is neutral and non-polar, with methionine, which is neutral and non-polar, at codon 785 of the POLE protein (p.Val785Met). This variant is present in population databases (no rsID available, gnomAD 0.003%). This variant has not been reported in the literature in individuals affected with POLE-related conditions. ClinVar contains an entry for this variant (Variation ID: 1511563). Advanced modeling of protein sequence and biophysical properties (such as structural, functional, and spatial information, amino acid conservation, physicochemical variation, residue mobility, and thermodynamic stability) performed at Invitae indicates that this missense variant is not expected to disrupt POLE protein function. In summary, the available evidence is currently insufficient to determine the role of this variant in disease. Therefore, it has been classified as a Variant of Uncertain Significance.

NM_006231.4(POLE):c.2353G>A (p.Val785Met)

Gene: POLE (DNA polymerase epsilon, catalytic subunit; minus strand). Cytogenetic location: 12q24.33.
Variant type: single nucleotide variant.
Coding change: c.2353G>A on transcript NM_006231.4 (MANE Select); coding-DNA position 2353, G replaced by A.
Protein change: p.Val785Met; replaces valine 785 with methionine.
Molecular consequence: missense variant.
Genome position (GRCh38, 1-based): chr12:132,665,417, C>T on the plus strand (G>A on the coding strand, the complement: POLE is on the minus strand). VCF-style: chr12-132665417-C-T. GRCh37 (hg19) VCF-style: chr12-133242003-C-T.
Other names: c.2353G>A (NM_006231.2); short protein forms V785M.
Identifiers: ClinVar variation 1511563 (VCV001511563.7), dbSNP rs1340591294, ClinGen allele CA387397787.